The following is an entry in ClinVar:

ClinVar aggregate classification (germline): Uncertain significance. Review status: criteria provided, multiple submitters, no conflicts (2 of 4 stars). 2 submissions from 2 submitters: Uncertain significance (2). Last evaluated 2025-01-23.

Conditions:
MORM syndrome (MORMS). Identifiers: Orphanet 75858, MedGen C1857802, MONDO:0012423, OMIM 610156.
Joubert syndrome. Also called: CEREBELLOPARENCHYMAL DISORDER IV; JOUBERT-BOLTSHAUSER SYNDROME; Familial aplasia of the vermis. Identifiers: Orphanet 475, MedGen C5979921, MONDO:0018772.

Submissions (2):

Labcorp Genetics (formerly Invitae), Labcorp
Classification: Uncertain significance for Joubert syndrome. Last evaluated: 2025-01-23. Review status: criteria provided, single submitter. Criteria: Invitae Variant Classification Sherloc (09022015). Collection method: clinical testing. Allele origin: germline.
Comment: This sequence change replaces glycine, which is neutral and non-polar, with serine, which is neutral and polar, at codon 428 of the INPP5E protein (p.Gly428Ser). This variant is present in population databases (no rsID available, gnomAD 0.01%). This missense change has been observed in individual(s) with Joubert syndrome (internal data). An algorithm developed to predict the effect of missense changes on protein structure and function (PolyPhen-2) suggests that this variant is likely to be disruptive. In summary, the available evidence is currently insufficient to determine the role of this variant in disease. Therefore, it has been classified as a Variant of Uncertain Significance.

3billion
Classification: Uncertain significance for MORM syndrome. Last evaluated: 2023-12-13. Review status: criteria provided, single submitter. Criteria: ACMG Guidelines, 2015. Collection method: clinical testing. Allele origin: germline. Affected: yes.
Comment: The variant is observed at an extremely low frequency in the gnomAD v2.1.1 dataset (total allele frequency: 0.003%). Predicted Consequence/Location: Missense variant In silico tool predictions suggest damaging effect of the variant on gene or gene product [REVEL: 0.74 (>=0.6, sensitivity 0.68 and specificity 0.92)]. Therefore, this variant is classified as VUS according to the recommendation of ACMG/AMP guideline.

NM_019892.6(INPP5E):c.1282G>A (p.Gly428Ser)

Gene: INPP5E (inositol polyphosphate-5-phosphatase E; minus strand). Cytogenetic location: 9q34.3.
Variant type: single nucleotide variant.
Coding change: c.1282G>A on transcript NM_019892.6 (MANE Select); coding-DNA position 1282, G replaced by A.
Protein change: p.Gly428Ser; replaces glycine 428 with serine.
Molecular consequence: missense variant. On other transcripts: splice acceptor variant (1).
Genome position (GRCh38, 1-based): chr9:136,432,584, C>T on the plus strand (G>A on the coding strand, the complement: INPP5E is on the minus strand). VCF-style: chr9-136432584-C-T. GRCh37 (hg19) VCF-style: chr9-139327036-C-T.
Other names: c.1280-1G>A (NM_001318502.2); short protein forms G428S.
Identifiers: ClinVar variation 3651068 (VCV003651068.2).
Genomic context (GRCh38, chr9:136,432,584, plus strand): 5'-GGACCAGGGCTTGTACAGTCCTGGTGTAGTCCAGCAGCCGCTCCGCCACCTTCCCGTCAC[C>T]TGCTGTGGGAACAGAAATGGGGTAGGGACCACAGGGTTCCGGATGCTCGAGTCTCCCTAA-3'
Protein context (NP_063945.2, residues 418-438): FLFITSHFTS[Gly428Ser]DGKVAERLLD